The following is an entry in ClinVar:

ClinVar aggregate classification (germline): Uncertain significance (1 of 4 stars; one submission).

gnomAD v4.1: 1 of 1,613,852 alleles (0.000062%); highest among the groups gnomAD compares: Admixed American, 0.0017%; no homozygotes.

Submission:

Labcorp Genetics (formerly Invitae), Labcorp
Classification: Uncertain significance. Last evaluated: 2024-03-07. Review status: criteria provided, single submitter. Criteria: Invitae Variant Classification Sherloc (09022015). Collection method: clinical testing. Allele origin: germline.
Comment: This sequence change replaces cysteine, which is neutral and slightly polar, with tryptophan, which is neutral and slightly polar, at codon 910 of the NR3C2 protein (p.Cys910Trp). This variant is present in population databases (no rsID available, gnomAD 0.006%). This variant has not been reported in the literature in individuals affected with NR3C2-related conditions. Advanced modeling of protein sequence and biophysical properties (such as structural, functional, and spatial information, amino acid conservation, physicochemical variation, residue mobility, and thermodynamic stability) performed at Invitae indicates that this missense variant is not expected to disrupt NR3C2 protein function with a negative predictive value of 80%. In summary, the available evidence is currently insufficient to determine the role of this variant in disease. Therefore, it has been classified as a Variant of Uncertain Significance.

NM_000901.5(NR3C2):c.2730T>G (p.Cys910Trp)

Gene: NR3C2 (nuclear receptor subfamily 3 group C member 2; minus strand). Cytogenetic location: 4q31.23.
Variant type: single nucleotide variant.
Coding change: c.2730T>G on transcript NM_000901.5 (MANE Select); coding-DNA position 2730, T replaced by G.
Protein change: p.Cys910Trp; replaces cysteine 910 with tryptophan.
Molecular consequence: missense variant. On other transcripts: non-coding transcript variant (1).
Genome position (GRCh38, 1-based): chr4:148,114,173, A>C on the plus strand (T>G on the coding strand, the complement: NR3C2 is on the minus strand). VCF-style: chr4-148114173-A-C. GRCh37 (hg19) VCF-style: chr4-149035324-A-C.
Other names: c.2379T>G, p.Cys793Trp (NM_001166104.2, NM_001354819.1); short protein forms C793W, C910W.
Identifiers: ClinVar variation 3674870 (VCV003674870.2).